The following is an entry in ClinVar:

ClinVar aggregate classification (germline): Uncertain significance. Review status: criteria provided, multiple submitters, no conflicts (2 of 4 stars). 3 submissions from 3 submitters: Uncertain significance (2). 1 of the submissions does not count toward it. Last evaluated 2025-02-01.

Conditions:
TH-deficient dopa-responsive dystonia. Also called: DYT-TH; Segawa syndrome, autosomal recessive; Tyrosine Hydroxylase-Deficient Dopa-Responsive Dystonia. Identifiers: Orphanet 101150, MedGen C2673535, MONDO:0011551, OMIM 605407.

Submissions (3):

CeGaT Center for Human Genetics Tuebingen
Classification: Uncertain significance. Last evaluated: 2025-02-01. Review status: criteria provided, single submitter. Criteria: CeGaT Center For Human Genetics Tuebingen Variant Classification Criteria Version 2. Collection method: clinical testing. Allele origin: germline. Affected: yes. Observed: 1 variant allele.
Comment: TH: PM2

Labcorp Genetics (formerly Invitae), Labcorp
Classification: Uncertain significance for TH-deficient dopa-responsive dystonia. Last evaluated: 2018-04-03. Review status: criteria provided, single submitter. Criteria: Invitae Variant Classification Sherloc (09022015). Collection method: clinical testing. Allele origin: germline.
Comment: This variant is not present in population databases (ExAC no frequency). In summary, the available evidence is currently insufficient to determine the role of this variant in disease. Therefore, it has been classified as a Variant of Uncertain Significance. Nucleotide substitutions within the consensus splice site are a relatively common cause of aberrant splicing (PMID: 17576681, 9536098). Algorithms developed to predict the effect of sequence changes on RNA splicing suggest that this variant may disrupt the consensus splice site, but this prediction has not been confirmed by published transcriptional studies. This variant has not been reported in the literature in individuals with TH-related disease. This sequence change falls in intron 8 of the TH gene. It does not directly change the encoded amino acid sequence of the TH protein, but it affects a nucleotide within the consensus splice site of the intron.

Natera, Inc.
Classification: Uncertain significance for Autosomal recessive Segawa syndrome. Last evaluated: 2020-09-21. Review status: no assertion criteria provided. Collection method: clinical testing. Allele origin: germline. Not counted in ClinVar's aggregate classification.

Literature cited by the submitters: PubMed 17576681 (cited by Labcorp Genetics (formerly Invitae), Labcorp); PubMed 9536098 (cited by Labcorp Genetics (formerly Invitae), Labcorp).

NM_000360.4(TH):c.841+5G>A

Gene: TH (tyrosine hydroxylase; minus strand). Cytogenetic location: 11p15.5.
Variant type: single nucleotide variant.
Coding change: c.841+5G>A on transcript NM_000360.4 (MANE Select); 5 bases into the intron after coding-DNA position 841, G replaced by A.
Molecular consequence: intron variant.
Genome position (GRCh38, 1-based): chr11:2,166,882, C>T on the plus strand (G>A on the coding strand, the complement: TH is on the minus strand). VCF-style: chr11-2166882-C-T. GRCh37 (hg19) VCF-style: chr11-2188112-C-T.
Other names: c.922+5G>A (NM_199293.3); c.934+5G>A (NM_199292.3).
Identifiers: ClinVar variation 998740 (VCV000998740.23), dbSNP rs1846109018, ClinGen allele CA1948005749.